The following is an entry in ClinVar:

NM_021922.3(FANCE):c.299C>T (p.Ser100Phe)

Gene: FANCE (FA complementation group E; plus strand). Cytogenetic location: 6p21.31.
Variant type: single nucleotide variant.
Coding change: c.299C>T on transcript NM_021922.3 (MANE Select); coding-DNA position 299, C replaced by T.
Protein change: p.Ser100Phe; replaces serine 100 with phenylalanine.
Molecular consequence: missense variant.
Genome position (GRCh38, 1-based): chr6:35,455,797, C>T. VCF-style: chr6-35455797-C-T. GRCh37 (hg19) VCF-style: chr6-35423574-C-T.
Other names: c.299C>T, p.Ser100Phe (NM_001410876.1); short protein forms S100F.
Identifiers: ClinVar variation 3711338 (VCV003711338.2).

ClinVar aggregate classification (germline): Uncertain significance (1 of 4 stars; one submission).

Conditions:
Fanconi anemia complementation group E (FANCE). Also called: FANCE-Related Fanconi Anemia. Identifiers: Orphanet 84, MedGen C3160739, MONDO:0010953, OMIM 600901.

Submission:

Labcorp Genetics (formerly Invitae), Labcorp
Classification: Uncertain significance for Fanconi anemia complementation group E. Last evaluated: 2024-10-29. Review status: criteria provided, single submitter. Criteria: Invitae Variant Classification Sherloc (09022015). Collection method: clinical testing. Allele origin: germline.
Comment: This sequence change replaces serine, which is neutral and polar, with phenylalanine, which is neutral and non-polar, at codon 100 of the FANCE protein (p.Ser100Phe). This variant is present in population databases (rs779556375, gnomAD 0.0009%). This variant has not been reported in the literature in individuals affected with FANCE-related conditions. Invitae Evidence Modeling of protein sequence and biophysical properties (such as structural, functional, and spatial information, amino acid conservation, physicochemical variation, residue mobility, and thermodynamic stability) indicates that this missense variant is expected to disrupt FANCE protein function with a positive predictive value of 80%. In summary, the available evidence is currently insufficient to determine the role of this variant in disease. Therefore, it has been classified as a Variant of Uncertain Significance.